The following is an entry in ClinVar:

ClinVar aggregate classification (germline): conflicting data from submitters (0 of 4 stars; one submission).

Submission:

GeneDx
Classification: conflicting data from submitters. Last evaluated: 2011-04-30. Review status: no assertion criteria provided. Collection method: clinical testing. Allele origin: unknown. Affected: yes. Observed: 2 variant alleles.
Comment: Uncertain significance(1), Likely benign (1)

GRCh38/hg38 Xq26.2(chrX:131692202-131835887)x3

Genes: FIRRE (firre intergenic repeating RNA element; minus strand), LOC113875010 (Sharpr-MPRA regulatory region 5272; plus strand), LOC113875011 (Sharpr-MPRA regulatory region 4069; plus strand), LOC121627980 (Sharpr-MPRA regulatory region 13451; plus strand), LOC121627981 (Sharpr-MPRA regulatory region 13107; plus strand) and 21 more. Cytogenetic location: Xq26.2.
Variant type: copy number gain.
Change: copy number 3 of chrX:131,692,202-131,835,887 (143.7 kb, GRCh38 coordinates, 1-based), cytogenetic band Xq26.2.
Identifiers: ClinVar variation 151740 (VCV000151740.2).